The following is an entry in ClinVar:

ClinVar aggregate classification (germline): Uncertain significance (0 of 4 stars; one submission).

Conditions:
SEMA3G-related disorder. Also called: SEMA3G-related condition.

Submission:

PreventionGenetics, part of Exact Sciences
Classification: Uncertain significance for SEMA3G-related condition. Last evaluated: 2024-05-10. Review status: no assertion criteria provided. Collection method: clinical testing. Allele origin: germline.
Comment: The SEMA3G c.2038G>A variant is predicted to result in the amino acid substitution p.Asp680Asn. To our knowledge, this variant has not been reported in the literature or in a large population database, indicating this variant is rare. At this time, the clinical significance of this variant is uncertain due to the absence of conclusive functional and genetic evidence.

NM_020163.3(SEMA3G):c.2038G>A (p.Asp680Asn)

Gene: SEMA3G (semaphorin 3G; minus strand). Cytogenetic location: 3p21.1.
Variant type: single nucleotide variant.
Coding change: c.2038G>A on transcript NM_020163.3 (MANE Select); coding-DNA position 2038, G replaced by A.
Protein change: p.Asp680Asn; replaces aspartic acid 680 with asparagine.
Molecular consequence: missense variant.
Genome position (GRCh38, 1-based): chr3:52,435,914, C>T on the plus strand (G>A on the coding strand, the complement: SEMA3G is on the minus strand). VCF-style: chr3-52435914-C-T. GRCh37 (hg19) VCF-style: chr3-52469930-C-T.
Other names: short protein forms D680N.
Identifiers: ClinVar variation 3346070 (VCV003346070.1).